The following is an entry in ClinVar:

NM_001429.4(EP300):c.6691A>G (p.Met2231Val)

Gene: EP300 (E1A binding protein p300; plus strand). Cytogenetic location: 22q13.2.
Variant type: single nucleotide variant.
Coding change: c.6691A>G on transcript NM_001429.4 (MANE Select); coding-DNA position 6691, A replaced by G.
Protein change: p.Met2231Val; replaces methionine 2231 with valine.
Molecular consequence: missense variant.
Genome position (GRCh38, 1-based): chr22:41,178,402, A>G. VCF-style: chr22-41178402-A-G. GRCh37 (hg19) VCF-style: chr22-41574406-A-G.
Other names: c.6613A>G, p.Met2205Val (NM_001362843.2); short protein forms M2205V, M2231V.
Identifiers: ClinVar variation 3391276 (VCV003391276.1).

ClinVar aggregate classification (germline): Uncertain significance (1 of 4 stars; one submission).

Conditions:
Menke-Hennekam syndrome 2 (MKHK2). Identifiers: MedGen C5193035, MONDO:0020769, OMIM 618333.

gnomAD v4.1: 7 of 1,614,106 alleles (0.00043%); highest among the groups gnomAD compares: South Asian, 0.0044%; no homozygotes.

Submission:

Neuberg Centre For Genomic Medicine, NCGM
Classification: Uncertain significance for Menke-Hennekam syndrome 2. Review status: criteria provided, single submitter. Criteria: ACMG Guidelines, 2015. Collection method: clinical testing. Allele origin: germline. Inheritance: Autosomal dominant inheritance. Affected: yes.
Comment: The observed missense variant c.6691A>Gp.Met2231Val in the EP300 gene has not been reported previously as a pathogenic variant nor as a benign variant, to our knowledge. This variant is reported with the allele frequency 0.002% in the gnomAD Exomes. The amino acid Met at position 2231 is changed to a Val changing protein sequence and it might alter its composition and physico-chemical properties. Multiple lines of computational evidence Polyphen - Benign, SIFT - Tolerated and MutationTaster - Disease causing/Polymorphism predict no damaging effect on protein structure and function for this variant. The residue is conserved by GERP++ and PhyloP across 100 vertebrates. For these reasons, this variant has been classified as Uncertain Significance.